The following is an entry in ClinVar:

NC_000009.11:g.(?_137623322)_(137623993_?)del

Gene: COL5A1 (collagen type V alpha 1 chain; plus strand). Cytogenetic location: 9q34.3.
Variant type: Deletion.
Identifiers: ClinVar variation 2422355 (VCV002422355.7).

ClinVar aggregate classification (germline): Uncertain significance (1 of 4 stars; one submission).

Conditions:
Ehlers-Danlos syndrome, classic type, 1 (EDSCL1). Also called: EDS I; EHLERS-DANLOS SYNDROME, GRAVIS TYPE; EHLERS-DANLOS SYNDROME, SEVERE CLASSIC TYPE; Ehlers-Danlos syndrome, type 1; Ehlers-Danlos Syndrome, Classic Type, COL5A1-Related. Identifiers: MedGen C0268335, MONDO:0019567, OMIM 130000.

Submission:

Labcorp Genetics (formerly Invitae), Labcorp
Classification: Uncertain significance for Ehlers-Danlos syndrome, classic type, 1. Last evaluated: 2022-09-19. Review status: criteria provided, single submitter. Criteria: Invitae Variant Classification Sherloc (09022015). Collection method: clinical testing. Allele origin: germline.
Comment: In summary, the available evidence is currently insufficient to determine the role of this variant in disease. Therefore, it has been classified as a Variant of Uncertain Significance. This variant disrupts a region of the COL5A1 protein in which other variant(s) (p.Asp398Gly) have been observed in individuals with COL5A1-related conditions (Invitae). This suggests that this is a clinically significant region of the protein, and that variants that disrupt it are likely to be disease-causing. Experimental studies and prediction algorithms are not available or were not evaluated, and the functional significance of this variant is currently unknown. This variant has not been reported in the literature in individuals affected with COL5A1-related conditions. This variant is a gross deletion of the genomic region encompassing exon(s) 8-9 of the COL5A1 gene. This variant would be expected to be in-frame, preserving the integrity of the reading frame.